The following is an entry in ClinVar:

NM_003482.4(KMT2D):c.14971_14972insT (p.Arg4991fs)

Gene: KMT2D (lysine methyltransferase 2D; minus strand). Cytogenetic location: 12q13.12.
Variant type: Insertion.
Coding change: c.14971_14972insT on transcript NM_003482.4 (MANE Select); coding-DNA positions 14971 to 14972, T inserted.
Protein change: p.Arg4991fs; shifts the reading frame from arginine 4991.
Molecular consequence: frameshift variant.
Genome position: GRCh38 VCF-style: chr12-49026994-C-CA. GRCh37 (hg19) VCF-style: chr12-49420777-C-CA.
Other names: short protein forms R4991fs.
Identifiers: ClinVar variation 2028208 (VCV002028208.4), dbSNP rs2499038662, ClinGen allele CA2580085719.

ClinVar aggregate classification (germline): Pathogenic (1 of 4 stars; one submission).

Conditions:
Kabuki syndrome. Also called: NIIKAWA-KUROKI SYNDROME; Kabuki make-up syndrome. Identifiers: Orphanet 2322, MedGen C0796004, MONDO:0016512.

Submission:

Labcorp Genetics (formerly Invitae), Labcorp
Classification: Pathogenic for Kabuki syndrome. Last evaluated: 2022-09-14. Review status: criteria provided, single submitter. Criteria: Invitae Variant Classification Sherloc (09022015). Collection method: clinical testing. Allele origin: germline.
Comment: This variant has not been reported in the literature in individuals affected with KMT2D-related conditions. For these reasons, this variant has been classified as Pathogenic. This sequence change creates a premature translational stop signal (p.Arg4991Leufs*16) in the KMT2D gene. It is expected to result in an absent or disrupted protein product. Loss-of-function variants in KMT2D are known to be pathogenic (PMID: 22126750). This variant is not present in population databases (gnomAD no frequency).

Literature cited by the submitters: PubMed 22126750.